The following is an entry in ClinVar:

ClinVar aggregate classification (germline): Conflicting classifications of pathogenicity. Review status: criteria provided, conflicting classifications (1 of 4 stars). 2 submissions from 2 submitters: Uncertain significance (1); Likely benign (1). Last evaluated 2026-07-29.

Conditions:
Hereditary cancer-predisposing syndrome. Also called: Hereditary neoplastic syndrome; Neoplastic Syndromes, Hereditary; Tumor predisposition; Hereditary Cancer Syndrome. Identifiers: Orphanet 140162, MedGen C0027672, MeSH D009386, MONDO:0015356.
Hereditary nonpolyposis colorectal neoplasms. Identifiers: MedGen C0009405, MeSH D003123.

Submissions (2):

Ambry Genetics
Classification: Likely benign for Hereditary cancer-predisposing syndrome. Last evaluated: 2026-07-29. Review status: criteria provided, single submitter. Criteria: Ambry Variant Classification Scheme 2023. Collection method: clinical testing. Allele origin: germline.

Labcorp Genetics (formerly Invitae), Labcorp
Classification: Uncertain significance for Hereditary nonpolyposis colorectal neoplasms. Last evaluated: 2024-02-27. Review status: criteria provided, single submitter. Criteria: Invitae Variant Classification Sherloc (09022015). Collection method: clinical testing. Allele origin: germline.
Comment: This sequence change replaces arginine, which is basic and polar, with serine, which is neutral and polar, at codon 29 of the MSH6 protein (p.Arg29Ser). This variant is not present in population databases (gnomAD no frequency). This variant has not been reported in the literature in individuals affected with MSH6-related conditions. Advanced modeling of protein sequence and biophysical properties (such as structural, functional, and spatial information, amino acid conservation, physicochemical variation, residue mobility, and thermodynamic stability) performed at Invitae indicates that this missense variant is not expected to disrupt MSH6 protein function with a negative predictive value of 95%. In summary, the available evidence is currently insufficient to determine the role of this variant in disease. Therefore, it has been classified as a Variant of Uncertain Significance.

NM_000179.3(MSH6):c.85C>A (p.Arg29Ser)

Gene: MSH6 (mutS homolog 6; plus strand). Cytogenetic location: 2p16.3.
Variant type: single nucleotide variant.
Coding change: c.85C>A on transcript NM_000179.3 (MANE Select); coding-DNA position 85, C replaced by A.
Protein change: p.Arg29Ser; replaces arginine 29 with serine.
Molecular consequence: missense variant. On other transcripts: 5 prime UTR variant (7), non-coding transcript variant (5), intron variant (5).
Genome position (GRCh38, 1-based): chr2:47,783,318, C>A. VCF-style: chr2-47783318-C-A. GRCh37 (hg19) VCF-style: chr2-48010457-C-A.
Other names: c.85C>A, p.Arg29Ser (NM_001281492.2, NM_001406795.1, NM_001406796.1 and 9 more transcripts); c.-652C>A (NM_001281493.2, NM_001406811.1); c.-244C>A (NM_001406799.1); c.30C>A, p.His10Gln (NM_001406804.1); c.-844C>A (NM_001406807.1); c.-499C>A (NM_001406812.1); c.-910C>A (NM_001406814.1); c.-455C>A (NM_001406816.1); and 3 more; short protein forms H10Q, R29S.
Identifiers: ClinVar variation 3633902 (VCV003633902.3).